The following is an entry in ClinVar:

ClinVar aggregate classification (germline): Conflicting classifications of pathogenicity. Review status: criteria provided, conflicting classifications (1 of 4 stars). 5 submissions from 5 submitters: Uncertain significance (1); Likely benign (4). Last evaluated 2026-01-28.

Conditions:
Dilated cardiomyopathy 1G (CMD1G). Identifiers: Orphanet 154, MedGen C1858763, MONDO:0011400, OMIM 604145.
Autosomal recessive limb-girdle muscular dystrophy type 2J (LGMDR10). Also called: Limb-girdle muscular dystrophy, type 2J; MUSCULAR DYSTROPHY, LIMB-GIRDLE, AUTOSOMAL RECESSIVE 10. Identifiers: Orphanet 140922, MedGen C1837342, MONDO:0012127, OMIM 608807.
Cardiovascular phenotype. Identifiers: MedGen CN230736.

Allele frequency attached by ClinVar (database versions not stated): gnomAD exomes below 0.00001.
gnomAD v4.1: 6 of 1,613,570 alleles (0.00037%); highest among the groups gnomAD compares: Non-Finnish European, 0.00042%; no homozygotes.

Submissions (5):

Labcorp Genetics (formerly Invitae), Labcorp
Classification: Likely benign for Dilated cardiomyopathy 1G; Autosomal recessive limb-girdle muscular dystrophy type 2J. Last evaluated: 2026-01-28. Review status: criteria provided, single submitter. Criteria: Invitae Variant Classification Sherloc (09022015). Collection method: clinical testing. Allele origin: germline.

Ambry Genetics
Classification: Likely benign for Cardiovascular phenotype. Last evaluated: 2025-12-26. Review status: criteria provided, single submitter. Criteria: Ambry Variant Classification Scheme 2023. Collection method: clinical testing. Allele origin: germline.

CeGaT Center for Human Genetics Tuebingen
Classification: Likely benign. Last evaluated: 2024-04-01. Review status: criteria provided, single submitter. Criteria: CeGaT Center For Human Genetics Tuebingen Variant Classification Criteria Version 2. Collection method: clinical testing. Allele origin: germline. Affected: yes. Observed: 1 variant allele.
Comment: TTN: PM2:Supporting, BP4, BP7

GeneDx
Classification: Likely benign. Last evaluated: 2019-07-19. Review status: criteria provided, single submitter. Criteria: GeneDx Variant Classification Process June 2021. Collection method: clinical testing. Allele origin: germline. Affected: yes.

Eurofins Ntd Llc (ga)
Classification: Uncertain significance. Last evaluated: 2017-04-23. Review status: criteria provided, single submitter. Criteria: EGL Classification Definitions 2015. Collection method: clinical testing. Allele origin: germline. Observed: 2 variant alleles, 2 heterozygotes.

NM_001267550.2(TTN):c.103246T>C (p.Leu34416=)

Genes: TTN (titin; minus strand), TTN-AS1 (TTN antisense RNA 1; plus strand). Cytogenetic location: 2q31.2.
Variant type: single nucleotide variant.
Coding change: c.103246T>C on transcript NM_001267550.2 (MANE Select); coding-DNA position 103246, T replaced by C.
Protein change: p.Leu34416=; no amino-acid change (leucine 34416 retained).
Molecular consequence: synonymous variant.
Genome position (GRCh38, 1-based): chr2:178,533,369, A>G on the plus strand (T>C on the coding strand, the complement: TTN is on the minus strand). VCF-style: chr2-178533369-A-G. GRCh37 (hg19) VCF-style: chr2-179398096-A-G.
Other names: c.98323T>C, p.Leu32775= (NM_001256850.1); c.76051T>C, p.Leu25351= (NM_003319.4); c.95542T>C, p.Leu31848= (NM_133378.4); c.76426T>C, p.Leu25476= (NM_133432.3); c.76627T>C, p.Leu25543= (NM_133437.4).
Identifiers: ClinVar variation 499017 (VCV000499017.36), dbSNP rs1553492053, ClinGen allele CA430236949.
Genomic context (GRCh38, chr2:178,533,369, plus strand): 5'-CTCTATAATAACCCGTGTCTTCAGGCAAAGTGTCCCTGATGTGCAGAGCATAATAATCCA[A>G]GCCTTCATGGATAATTTCAATGTTAGGCCCGAGGGACAGTGGCTGACCATCTTTCTCCCA-3'
Protein context (NP_001254479.2, residues 34406-34426): GPNIEIIHEG[Leu34416=]DYYALHIRDT